The following is an entry in ClinVar:

ClinVar aggregate classification (germline): Uncertain significance (1 of 4 stars; one submission).

Conditions:
Emery-Dreifuss muscular dystrophy 4, autosomal dominant (EDMD4). Also called: EMERY-DREIFUSS MUSCULAR DYSTROPHY 4 WITH VARIABLE FEATURES. Identifiers: Orphanet 261, MedGen C2751807, MONDO:0013071, OMIM 612998.
Autosomal recessive ataxia, Beauce type. Also called: Spinocerebellar ataxia, autosomal recessive 8; ATAXIA, RECESSIVE, OF BEAUCE; SYNE1 Deficiency; SYNE1-Related Autosomal Recessive Cerebellar Ataxia. Identifiers: Orphanet 88644, MedGen C1853116, MONDO:0012549, OMIM 610743.

Allele frequency attached by ClinVar (database versions not stated): gnomAD exomes below 0.00001.
gnomAD v4.1: 2 of 1,614,168 alleles (0.00012%); highest among the groups gnomAD compares: Non-Finnish European, 0.00017%; no homozygotes.

Submission:

Labcorp Genetics (formerly Invitae), Labcorp
Classification: Uncertain significance for Emery-Dreifuss muscular dystrophy 4, autosomal dominant; Autosomal recessive ataxia, Beauce type. Last evaluated: 2023-07-10. Review status: criteria provided, single submitter. Criteria: Invitae Variant Classification Sherloc (09022015). Collection method: clinical testing. Allele origin: germline.
Comment: In summary, the available evidence is currently insufficient to determine the role of this variant in disease. Therefore, it has been classified as a Variant of Uncertain Significance. An algorithm developed to predict the effect of missense changes on protein structure and function (PolyPhen-2) suggests that this variant is likely to be tolerated. ClinVar contains an entry for this variant (Variation ID: 1444836). This variant has not been reported in the literature in individuals affected with SYNE1-related conditions. This variant is not present in population databases (gnomAD no frequency). This sequence change replaces valine, which is neutral and non-polar, with leucine, which is neutral and non-polar, at codon 6637 of the SYNE1 protein (p.Val6637Leu).

NM_182961.4(SYNE1):c.20122G>C (p.Val6708Leu)

Gene: SYNE1 (spectrin repeat containing nuclear envelope protein 1; minus strand). Cytogenetic location: 6q25.2.
Variant type: single nucleotide variant.
Coding change: c.20122G>C on transcript NM_182961.4 (MANE Select); coding-DNA position 20122, G replaced by C.
Protein change: p.Val6708Leu; replaces valine 6708 with leucine.
Molecular consequence: missense variant.
Genome position (GRCh38, 1-based): chr6:152,236,894, C>G on the plus strand (G>C on the coding strand, the complement: SYNE1 is on the minus strand). VCF-style: chr6-152236894-C-G. GRCh37 (hg19) VCF-style: chr6-152558029-C-G.
Other names: c.19909G>C, p.Val6637Leu (NM_033071.5); short protein forms V6708L, V6637L.
Identifiers: ClinVar variation 1444836 (VCV001444836.8), dbSNP rs765132195, ClinGen allele CA366123566.